The following is an entry in ClinVar:

ClinVar aggregate classification (germline): Likely benign (1 of 4 stars; one submission).

Conditions:
Arrhythmogenic cardiomyopathy with wooly hair and keratoderma. Also called: PALMOPLANTAR KERATODERMA WITH LEFT VENTRICULAR CARDIOMYOPATHY AND WOOLLY HAIR; Carvajal syndrome; Dilated cardiomyopathy with woolly hair and keratoderma; Arrhythmogenic cardiomyopathy with woolly hair and keratoderma. Identifiers: Orphanet 65282, MedGen C1854063, MONDO:0011581, OMIM 605676.

Allele frequency attached by ClinVar (database versions not stated): TOPMed 0.00002.

Submission:

All of Us Research Program, National Institutes of Health
Classification: Likely benign for Arrhythmogenic cardiomyopathy with wooly hair and keratoderma. Last evaluated: 2023-11-02. Review status: criteria provided, single submitter. Criteria: ACMG Guidelines, 2015. Collection method: clinical testing. Allele origin: germline. Inheritance: Autosomal dominant inheritance. Observed: 1 variant allele, 1 heterozygote.
Comment: This study involves interpretation of variants in research participants for the purpose of population health screening. Participant phenotype was not available at the time of variant classification. Additional details can be found in publication PMID: 35346344, PMCID: PMC8962531

NM_004415.4(DSP):c.171-10G>A

Gene: DSP (desmoplakin; plus strand). Cytogenetic location: 6p24.3.
Variant type: single nucleotide variant.
Coding change: c.171-10G>A on transcript NM_004415.4 (MANE Select); 10 bases into the intron before coding-DNA position 171, G replaced by A.
Molecular consequence: intron variant.
Genome position (GRCh38, 1-based): chr6:7,555,708, G>A. VCF-style: chr6-7555708-G-A. GRCh37 (hg19) VCF-style: chr6-7555941-G-A.
Other names: c.171-10G>A (NM_001319034.2, NM_001008844.3, NM_001406591.1).
Identifiers: ClinVar variation 3074378 (VCV003074378.1), dbSNP rs1228826952, ClinGen allele CA828093577.